The following is an entry in ClinVar:

NM_002582.4(PARN):c.403A>G (p.Asn135Asp)

Gene: PARN (poly(A)-specific ribonuclease; minus strand). Cytogenetic location: 16p13.12.
Variant type: single nucleotide variant.
Coding change: c.403A>G on transcript NM_002582.4 (MANE Select); coding-DNA position 403, A replaced by G.
Protein change: p.Asn135Asp; replaces asparagine 135 with aspartic acid.
Molecular consequence: missense variant.
Genome position (GRCh38, 1-based): chr16:14,610,795, T>C on the plus strand (A>G on the coding strand, the complement: PARN is on the minus strand). VCF-style: chr16-14610795-T-C. GRCh37 (hg19) VCF-style: chr16-14704652-T-C.
Other names: c.220A>G, p.Asn74Asp (NM_001134477.3); c.265A>G, p.Asn89Asp (NM_001242992.2); short protein forms N74D, N89D, N135D.
Identifiers: ClinVar variation 2931343 (VCV002931343.3), dbSNP rs1971479669, ClinGen allele CA394811306.

ClinVar aggregate classification (germline): Uncertain significance (1 of 4 stars; one submission).

Conditions:
Dyskeratosis congenita, autosomal recessive 6 (DKCB6). Identifiers: MedGen C4225356, MONDO:0014600, OMIM 616353.
Pulmonary fibrosis and/or bone marrow failure, Telomere-related, 4. Also called: PULMONARY FIBROSIS AND/OR BONE MARROW FAILURE SYNDROME, TELOMERE-RELATED, 4. Identifiers: Orphanet 2032, MedGen C4225347, MONDO:0014612, OMIM 616371.

Allele frequency attached by ClinVar (database versions not stated): gnomAD exomes below 0.00001; TOPMed below 0.00001.
gnomAD v4.1: 3 of 1,608,202 alleles (0.00019%); highest among the groups gnomAD compares: Non-Finnish European, 0.00026%; no homozygotes.

Submission:

Labcorp Genetics (formerly Invitae), Labcorp
Classification: Uncertain significance for Dyskeratosis congenita, autosomal recessive 6; Pulmonary fibrosis and/or bone marrow failure, Telomere-related, 4. Last evaluated: 2023-08-23. Review status: criteria provided, single submitter. Criteria: Invitae Variant Classification Sherloc (09022015). Collection method: clinical testing. Allele origin: germline.
Comment: This sequence change replaces asparagine, which is neutral and polar, with aspartic acid, which is acidic and polar, at codon 135 of the PARN protein (p.Asn135Asp). This variant is not present in population databases (gnomAD no frequency). This variant has not been reported in the literature in individuals affected with PARN-related conditions. Advanced modeling of protein sequence and biophysical properties (such as structural, functional, and spatial information, amino acid conservation, physicochemical variation, residue mobility, and thermodynamic stability) performed at Invitae indicates that this missense variant is not expected to disrupt PARN protein function. In summary, the available evidence is currently insufficient to determine the role of this variant in disease. Therefore, it has been classified as a Variant of Uncertain Significance.